The following is an entry in ClinVar:

ClinVar aggregate classification (germline): Likely benign. Review status: criteria provided, multiple submitters, no conflicts (2 of 4 stars). 2 submissions from 2 submitters: Likely benign (2). Last evaluated 2023-09-27.

Conditions:
Fanconi-Bickel syndrome (FBS). Also called: Glycogen storage disease due to GLUT2 deficiency; PSEUDO-PHLORIZIN DIABETES; FANCONI SYNDROME WITH INTESTINAL MALABSORPTION AND GALACTOSE INTOLERANCE; HEPATIC GLYCOGENOSIS WITH AMINO ACIDURIA AND GLUCOSURIA; HEPATIC GLYCOGENOSIS WITH FANCONI NEPHROPATHY; HEPATORENAL GLYCOGENOSIS WITH RENAL FANCONI SYNDROME. Identifiers: Orphanet 2088, MedGen C3495427, MONDO:0009216, OMIM 227810.

Allele frequency attached by ClinVar (database versions not stated): ExAC 0.00001; gnomAD 0.00001; gnomAD exomes 0.00001; TOPMed 0.00001.
gnomAD v4.1: 28 of 1,613,988 alleles (0.0017%); highest among the groups gnomAD compares: Middle Eastern, 0.016%; no homozygotes.

Submissions (2):

Labcorp Genetics (formerly Invitae), Labcorp
Classification: Likely benign for Fanconi-Bickel syndrome. Last evaluated: 2023-09-27. Review status: criteria provided, single submitter. Criteria: Invitae Variant Classification Sherloc (09022015). Collection method: clinical testing. Allele origin: germline.

GeneDx
Classification: Likely benign. Last evaluated: 2016-04-13. Review status: criteria provided, single submitter. Criteria: GeneDx Variant Classification (06012015). Collection method: clinical testing. Allele origin: germline. Affected: yes.
Comment: This variant is considered likely benign or benign based on one or more of the following criteria: it is a conservative change, it occurs at a poorly conserved position in the protein, it is predicted to be benign by multiple in silico algorithms, and/or has population frequency not consistent with disease.

NM_000340.2(SLC2A2):c.240T>C (p.Pro80=)

Gene: SLC2A2 (solute carrier family 2 member 2; minus strand). Cytogenetic location: 3q26.2.
Variant type: single nucleotide variant.
Coding change: c.240T>C on transcript NM_000340.2 (MANE Select); coding-DNA position 240, T replaced by C.
Protein change: p.Pro80=; no amino-acid change (proline 80 retained).
Molecular consequence: synonymous variant. On other transcripts: 5 prime UTR variant (1), intron variant (1).
Genome position (GRCh38, 1-based): chr3:171,014,600, A>G on the plus strand (T>C on the coding strand, the complement: SLC2A2 is on the minus strand). VCF-style: chr3-171014600-A-G. GRCh37 (hg19) VCF-style: chr3-170732389-A-G.
Other names: c.-155T>C (NM_001278659.2); c.14+3931T>C (NM_001278658.2).
Identifiers: ClinVar variation 385035 (VCV000385035.4), dbSNP rs756220231, ClinGen allele CA2702736.
Genomic context (GRCh38, chr3:171,014,600, plus strand): 5'-AGACAGGGACCAGAGCATGGTGATTAGTTGAGCAGCTGCCACAGTCTCTTCCTCAGCCCA[A>G]GGGGTTGGTTTTGGGTTCATTGAGTATGAGATTGTGGGCAGTTCATCTGTACTGTTGATA-3'
Protein context (NP_000331.1, residues 70-90): ISYSMNPKPT[Pro80=]WAEEETVAAA